The following is an entry in ClinVar:

NM_017654.4(SAMD9):c.2290A>G (p.Lys764Glu)

Gene: SAMD9 (sterile alpha motif domain containing 9; minus strand). Cytogenetic location: 7q21.2.
Variant type: single nucleotide variant.
Coding change: c.2290A>G on transcript NM_017654.4 (MANE Select); coding-DNA position 2290, A replaced by G.
Protein change: p.Lys764Glu; replaces lysine 764 with glutamic acid.
Molecular consequence: missense variant.
Genome position (GRCh38, 1-based): chr7:93,103,808, T>C on the plus strand (A>G on the coding strand, the complement: SAMD9 is on the minus strand). VCF-style: chr7-93103808-T-C. GRCh37 (hg19) VCF-style: chr7-92733121-T-C.
Other names: c.2290A>G (NM_017654.3); c.2290A>G, p.Lys764Glu (NM_001193307.2); short protein forms K764E.
Identifiers: ClinVar variation 2144868 (VCV002144868.3), dbSNP rs138668310, ClinGen allele CA4342860.

ClinVar aggregate classification (germline): Uncertain significance. Review status: criteria provided, multiple submitters, no conflicts (2 of 4 stars). 3 submissions from 3 submitters: Uncertain significance (3). Last evaluated 2026-03-06.

Conditions:
SAMD9-related disorder. Also called: SAMD9-related condition.

Allele frequency attached by ClinVar (database versions not stated): gnomAD 0.00001; TOPMed 0.00002; ExAC 0.00003; 1000 Genomes Project 0.00020; 1000 Genomes Project 30x 0.00047.
gnomAD v4.1: 16 of 1,614,004 alleles (0.00099%); highest among the groups gnomAD compares: Admixed American, 0.023%; no homozygotes.

Submissions (3):

PreventionGenetics, part of Exact Sciences
Classification: Uncertain significance for SAMD9-related condition. Last evaluated: 2026-03-06. Review status: criteria provided, single submitter. Criteria: ACMG Guidelines, 2015. Collection method: clinical testing. Allele origin: germline.
Comment: The SAMD9 c.2290A>G variant is predicted to result in the amino acid substitution p.Lys764Glu. This variant has not been reported in the literature in individuals with SAMD9-related disorders. Functional studies have demonstrated that this missense alteration does not significantly affect SAMD9 function (Narumi et al. 2016. PubMed ID: 27182967). This variant is reported in 0.035% of alleles in individuals of Latino descent in gnomAD and is reported as uncertain in ClinVar (Variation ID: 2144868). At this time, the clinical significance of this variant is uncertain due to the absence of conclusive functional and genetic evidence.

Labcorp Genetics (formerly Invitae), Labcorp
Classification: Uncertain significance. Last evaluated: 2022-06-11. Review status: criteria provided, single submitter. Criteria: Invitae Variant Classification Sherloc (09022015). Collection method: clinical testing. Allele origin: germline.
Comment: This sequence change replaces lysine, which is basic and polar, with glutamic acid, which is acidic and polar, at codon 764 of the SAMD9 protein (p.Lys764Glu). This variant is present in population databases (rs138668310, gnomAD 0.03%). This variant has not been reported in the literature in individuals affected with SAMD9-related conditions. Algorithms developed to predict the effect of missense changes on protein structure and function (SIFT, PolyPhen-2, Align-GVGD) all suggest that this variant is likely to be tolerated. Experimental studies have shown that this missense change does not substantially affect SAMD9 function (PMID: 27182967). In summary, the available evidence is currently insufficient to determine the role of this variant in disease. Therefore, it has been classified as a Variant of Uncertain Significance.

Blueprint Genetics
Classification: Uncertain significance. Last evaluated: 2021-04-15. Review status: criteria provided, single submitter. Criteria: ACMG Guidelines, 2015. Collection method: clinical testing. Allele origin: germline.

Literature cited by the submitters: PubMed 27182967 (cited by Labcorp Genetics (formerly Invitae), Labcorp).